The following is an entry in ClinVar:

NM_006761.5(YWHAE):c.265-3T>C

Gene: YWHAE (tyrosine 3-monooxygenase/tryptophan 5-monooxygenase activation protein epsilon; minus strand). Cytogenetic location: 17p13.3.
Variant type: single nucleotide variant.
Coding change: c.265-3T>C on transcript NM_006761.5 (MANE Select); 3 bases into the intron before coding-DNA position 265, T replaced by C.
Molecular consequence: intron variant.
Genome position (GRCh38, 1-based): chr17:1,362,011, A>G on the plus strand (T>C on the coding strand, the complement: YWHAE is on the minus strand). VCF-style: chr17-1362011-A-G. GRCh37 (hg19) VCF-style: chr17-1265305-A-G.
Identifiers: ClinVar variation 3054036 (VCV003054036.3), dbSNP rs764350459, ClinGen allele CA8266233.

ClinVar aggregate classification (germline): Likely benign. Review status: criteria provided, single submitter (1 of 4 stars). 2 submissions from 2 submitters: Likely benign (1). 1 of the submissions does not count toward it. Last evaluated 2023-10-03.

Conditions:
YWHAE-related disorder. Also called: YWHAE-related condition.

Allele frequency attached by ClinVar (database versions not stated): gnomAD exomes 0.00006; TOPMed 0.00025; ExAC 0.00026; gnomAD 0.00034.
gnomAD v4.1: 87 of 677,200 alleles (0.013%); highest among the groups gnomAD compares: African/African-American, 0.2%; 1 homozygote.

Submissions (2):

Blueprint Genetics
Classification: Likely benign. Last evaluated: 2023-10-03. Review status: criteria provided, single submitter. Criteria: ACMG Guidelines, 2015. Collection method: clinical testing. Allele origin: germline.

PreventionGenetics, part of Exact Sciences
Classification: Likely benign for YWHAE-related condition. Last evaluated: 2021-06-29. Review status: no assertion criteria provided. Collection method: clinical testing. Allele origin: germline. Not counted in ClinVar's aggregate classification.
Comment: This variant is classified as likely benign based on ACMG/AMP sequence variant interpretation guidelines (Richards et al. 2015 PMID: 25741868, with internal and published modifications).